The following is an entry in ClinVar:

ClinVar aggregate classification (germline): Uncertain significance. Review status: criteria provided, multiple submitters, no conflicts (2 of 4 stars). 3 submissions from 3 submitters: Uncertain significance (3). Last evaluated 2025-09-22.

Conditions:
Inborn genetic diseases. Identifiers: MedGen C0950123, MeSH D030342.

Allele frequency attached by ClinVar (database versions not stated): ExAC 0.00001; gnomAD 0.00001; gnomAD exomes 0.00001.
gnomAD v4.1: 15 of 1,613,956 alleles (0.00093%); highest among the groups gnomAD compares: Non-Finnish European, 0.0012%; no homozygotes.

Submissions (3):

Labcorp Genetics (formerly Invitae), Labcorp
Classification: Uncertain significance. Last evaluated: 2025-09-22. Review status: criteria provided, single submitter. Criteria: Invitae Variant Classification Sherloc (09022015). Collection method: clinical testing. Allele origin: germline.
Comment: This sequence change replaces valine, which is neutral and non-polar, with methionine, which is neutral and non-polar, at codon 1612 of the ANKRD26 protein (p.Val1612Met). This variant is present in population databases (rs751471164, gnomAD 0.0009%). This variant has not been reported in the literature in individuals affected with ANKRD26-related conditions. ClinVar contains an entry for this variant (Variation ID: 2883918). An algorithm developed to predict the effect of missense changes on protein structure and function (PolyPhen-2) suggests that this variant is likely to be disruptive. In summary, the available evidence is currently insufficient to determine the role of this variant in disease. Therefore, it has been classified as a Variant of Uncertain Significance.

Ambry Genetics
Classification: Uncertain significance for Inborn genetic diseases. Last evaluated: 2025-05-06. Review status: criteria provided, single submitter. Criteria: Ambry Variant Classification Scheme 2023. Collection method: clinical testing. Allele origin: germline.

GeneDx
Classification: Uncertain significance. Last evaluated: 2023-09-20. Review status: criteria provided, single submitter. Criteria: GeneDx Variant Classification Process June 2021. Collection method: clinical testing. Allele origin: germline. Affected: yes.
Comment: Not observed at significant frequency in large population cohorts (gnomAD); In silico analysis supports that this missense variant does not alter protein structure/function; Has not been previously published as pathogenic or benign to our knowledge

NM_014915.3(ANKRD26):c.4834G>A (p.Val1612Met)

Gene: ANKRD26 (ankyrin repeat domain 26; minus strand). Cytogenetic location: 10p12.1.
Variant type: single nucleotide variant.
Coding change: c.4834G>A on transcript NM_014915.3 (MANE Select); coding-DNA position 4834, G replaced by A.
Protein change: p.Val1612Met; replaces valine 1612 with methionine.
Molecular consequence: missense variant.
Genome position (GRCh38, 1-based): chr10:27,013,001, C>T on the plus strand (G>A on the coding strand, the complement: ANKRD26 is on the minus strand). VCF-style: chr10-27013001-C-T. GRCh37 (hg19) VCF-style: chr10-27301930-C-T.
Other names: c.4831G>A, p.Val1611Met (NM_001256053.2); short protein forms V1612M, V1611M.
Identifiers: ClinVar variation 2883918 (VCV002883918.5), dbSNP rs751471164, ClinGen allele CA5447709.